The following is an entry in ClinVar:

NM_000399.5(EGR2):c.1205A>G (p.Tyr402Cys)

Gene: EGR2 (early growth response 2; minus strand). Cytogenetic location: 10q21.3.
Variant type: single nucleotide variant.
Coding change: c.1205A>G on transcript NM_000399.5 (MANE Select); coding-DNA position 1205, A replaced by G.
Protein change: p.Tyr402Cys; replaces tyrosine 402 with cysteine.
Molecular consequence: missense variant.
Genome position (GRCh38, 1-based): chr10:62,813,433, T>C on the plus strand (A>G on the coding strand, the complement: EGR2 is on the minus strand). VCF-style: chr10-62813433-T-C. GRCh37 (hg19) VCF-style: chr10-64573193-T-C.
Other names: c.1205A>G, p.Tyr402Cys (NM_001136177.3, NM_001136178.2); c.1055A>G, p.Tyr352Cys (NM_001136179.3, NM_001321037.2); c.1244A>G, p.Tyr415Cys (NM_001410931.1); short protein forms Y352C, Y415C, Y402C.
Identifiers: ClinVar variation 1748571 (VCV001748571.2), dbSNP rs1205621340, ClinGen allele CA377027361.

ClinVar aggregate classification (germline): Uncertain significance (1 of 4 stars; one submission).

Conditions:
Inborn genetic diseases. Identifiers: MedGen C0950123, MeSH D030342.

Allele frequency attached by ClinVar (database versions not stated): gnomAD exomes below 0.00001; TOPMed below 0.00001.

Submission:

Ambry Genetics
Classification: Uncertain significance for Inborn genetic diseases. Last evaluated: 2020-11-12. Review status: criteria provided, single submitter. Criteria: Ambry Variant Classification Scheme 2023. Collection method: clinical testing. Allele origin: germline.
Comment: The p.Y402C variant (also known as c.1205A>G), located in coding exon 2 of the EGR2 gene, results from an A to G substitution at nucleotide position 1205. The tyrosine at codon 402 is replaced by cysteine, an amino acid with highly dissimilar properties. This amino acid position is not well conserved in available vertebrate species. In addition, this alteration is predicted to be tolerated by in silico analysis. Since supporting evidence is limited at this time, the clinical significance of this alteration remains unclear.